The following is an entry in ClinVar:

NM_152269.5(MTRFR):c.431G>A (p.Arg144Lys)

Gene: MTRFR (mitochondrial translation release factor in rescue; plus strand). Cytogenetic location: 12q24.31.
Variant type: single nucleotide variant.
Coding change: c.431G>A on transcript NM_152269.5 (MANE Select); coding-DNA position 431, G replaced by A.
Protein change: p.Arg144Lys; replaces arginine 144 with lysine.
Molecular consequence: missense variant.
Genome position (GRCh38, 1-based): chr12:123,256,961, G>A. VCF-style: chr12-123256961-G-A. GRCh37 (hg19) VCF-style: chr12-123741508-G-A.
Other names: c.431G>A, p.Arg144Lys (NM_001143905.2, NM_001194995.1); short protein forms R144K.
Identifiers: ClinVar variation 2147754 (VCV002147754.4), dbSNP rs1169344401, ClinGen allele CA387119236.

ClinVar aggregate classification (germline): Uncertain significance (1 of 4 stars; one submission).

Conditions:
Combined oxidative phosphorylation defect type 7. Identifiers: Orphanet 254930, MedGen C3150801, MONDO:0013306, OMIM 613559.
Spastic paraplegia. Identifiers: MedGen C0037772, HP:0001258.

Submission:

Labcorp Genetics (formerly Invitae), Labcorp
Classification: Uncertain significance for Combined oxidative phosphorylation defect type 7; Spastic paraplegia. Last evaluated: 2022-11-01. Review status: criteria provided, single submitter. Criteria: Invitae Variant Classification Sherloc (09022015). Collection method: clinical testing. Allele origin: germline.
Comment: In summary, the available evidence is currently insufficient to determine the role of this variant in disease. Therefore, it has been classified as a Variant of Uncertain Significance. Algorithms developed to predict the effect of missense changes on protein structure and function output the following: SIFT: "Tolerated"; PolyPhen-2: "Not Available"; Align-GVGD: "Class C0". The lysine amino acid residue is found in multiple mammalian species, which suggests that this missense change does not adversely affect protein function. This variant has not been reported in the literature in individuals affected with C12orf65-related conditions. This variant is not present in population databases (gnomAD no frequency). This sequence change replaces arginine, which is basic and polar, with lysine, which is basic and polar, at codon 144 of the C12orf65 protein (p.Arg144Lys).